The following is an entry in ClinVar:

ClinVar aggregate classification (germline): Uncertain significance (1 of 4 stars; one submission).

Allele frequency attached by ClinVar (database versions not stated): gnomAD exomes below 0.00001 and 0.00001; TOPMed below 0.00001.
gnomAD v4.1: 1 of 1,551,176 alleles (0.000064%); highest among the groups gnomAD compares: Non-Finnish European, 0.000087%; no homozygotes.

Submission:

Labcorp Genetics (formerly Invitae), Labcorp
Classification: Uncertain significance. Last evaluated: 2024-10-29. Review status: criteria provided, single submitter. Criteria: Invitae Variant Classification Sherloc (09022015). Collection method: clinical testing. Allele origin: germline.
Comment: This sequence change replaces asparagine, which is neutral and polar, with threonine, which is neutral and polar, at codon 1413 of the EYS protein (p.Asn1413Thr). This variant is not present in population databases (gnomAD no frequency). This variant has not been reported in the literature in individuals affected with EYS-related conditions. ClinVar contains an entry for this variant (Variation ID: 1007302). Invitae Evidence Modeling of protein sequence and biophysical properties (such as structural, functional, and spatial information, amino acid conservation, physicochemical variation, residue mobility, and thermodynamic stability) indicates that this missense variant is not expected to disrupt EYS protein function with a negative predictive value of 80%. In summary, the available evidence is currently insufficient to determine the role of this variant in disease. Therefore, it has been classified as a Variant of Uncertain Significance.

NM_001142800.2(EYS):c.4238A>C (p.Asn1413Thr)

Gene: EYS (EGF-like photoreceptor maintenance factor; minus strand). Cytogenetic location: 6q12.
Variant type: single nucleotide variant.
Coding change: c.4238A>C on transcript NM_001142800.2 (MANE Select); coding-DNA position 4238, A replaced by C.
Protein change: p.Asn1413Thr; replaces asparagine 1413 with threonine.
Molecular consequence: missense variant.
Genome position (GRCh38, 1-based): chr6:64,591,629, T>G on the plus strand (A>C on the coding strand, the complement: EYS is on the minus strand). VCF-style: chr6-64591629-T-G. GRCh37 (hg19) VCF-style: chr6-65301522-T-G.
Other names: c.4238A>C, p.Asn1413Thr (NM_001292009.2); short protein forms N1413T.
Identifiers: ClinVar variation 1007302 (VCV001007302.8), dbSNP rs911102553, ClinGen allele CA140340962.
Genomic context (GRCh38, chr6:64,591,629, plus strand): 5'-CCTGGAATGCTTCTAATTACTGAAGTCGTTGGGGTAGCAGATAAAGCAACAGTCTGACAG[T>G]TCTCAAATAATAAAGATTGTGTAGGAAAAATAAAATCTGACATTAAGGAAGACATGATAA-3'
Protein context (NP_001136272.1, residues 1403-1423): IFPTQSLLFE[Asn1413Thr]CQTVALSATP